The following is an entry in ClinVar:

ClinVar aggregate classification (germline): Uncertain significance. Review status: criteria provided, multiple submitters, no conflicts (2 of 4 stars). 2 submissions from 2 submitters: Uncertain significance (2). Last evaluated 2023-12-05.

Conditions:
Hereditary cancer-predisposing syndrome. Also called: Tumor predisposition; Neoplastic Syndromes, Hereditary; Hereditary Cancer Syndrome; Hereditary neoplastic syndrome. Identifiers: Orphanet 140162, MedGen C0027672, MeSH D009386, MONDO:0015356.
Ataxia-telangiectasia syndrome (AT). Also called: Ataxia-telangiectasia; Ataxia-telangiectasia, complementation group D; AT, COMPLEMENTATION GROUP C; LOUIS-BAR SYNDROME; Cerebello-oculocutaneous telangiectasia; Immunodeficiency with ataxia telangiectasia. Identifiers: Orphanet 100, MedGen C0004135, MONDO:0008840, OMIM 208900.

Allele frequency attached by ClinVar (database versions not stated): ExAC 0.00002.
gnomAD v4.1: 3 of 1,613,828 alleles (0.00019%); highest among the groups gnomAD compares: Non-Finnish European, 0.00025%; no homozygotes.

Submissions (2):

Color Diagnostics, LLC DBA Color Health
Classification: Uncertain significance for Hereditary cancer-predisposing syndrome. Last evaluated: 2023-12-05. Review status: criteria provided, single submitter. Criteria: ACMG Guidelines, 2015. Collection method: clinical testing. Allele origin: germline.
Comment: This missense variant replaces histidine with proline at codon 231 of the ATM protein. Computational prediction suggests that this variant may not impact protein structure and function (internally defined REVEL score threshold <= 0.5, PMID: 27666373). To our knowledge, functional studies have not been reported for this variant. This variant has not been reported in individuals affected with ATM-related disorders in the literature. This variant has been identified in 2/251096 chromosomes in the general population by the Genome Aggregation Database (gnomAD). The available evidence is insufficient to determine the role of this variant in disease conclusively. Therefore, this variant is classified as a Variant of Uncertain Significance.

Labcorp Genetics (formerly Invitae), Labcorp
Classification: Uncertain significance for Ataxia-telangiectasia syndrome. Last evaluated: 2023-05-19. Review status: criteria provided, single submitter. Criteria: Invitae Variant Classification Sherloc (09022015). Collection method: clinical testing. Allele origin: germline.
Comment: In summary, the available evidence is currently insufficient to determine the role of this variant in disease. Therefore, it has been classified as a Variant of Uncertain Significance. An algorithm developed to predict the effect of missense changes on protein structure and function (PolyPhen-2) suggests that this variant is likely to be disruptive. ClinVar contains an entry for this variant (Variation ID: 489583). This variant has not been reported in the literature in individuals affected with ATM-related conditions. This variant is present in population databases (rs587782229, gnomAD 0.002%). This sequence change replaces histidine, which is basic and polar, with proline, which is neutral and non-polar, at codon 231 of the ATM protein (p.His231Pro).

NM_000051.4(ATM):c.692A>C (p.His231Pro)

Gene: ATM (ATM serine/threonine kinase; plus strand). Cytogenetic location: 11q22.3.
Variant type: single nucleotide variant.
Coding change: c.692A>C on transcript NM_000051.4 (MANE Select); coding-DNA position 692, A replaced by C.
Protein change: p.His231Pro; replaces histidine 231 with proline.
Molecular consequence: missense variant.
Genome position (GRCh38, 1-based): chr11:108,244,817, A>C. VCF-style: chr11-108244817-A-C. GRCh37 (hg19) VCF-style: chr11-108115544-A-C.
Other names: c.692A>C, p.His231Pro (NM_001351834.2); short protein forms H231P.
Identifiers: ClinVar variation 489583 (VCV000489583.9), dbSNP rs587782229, ClinGen allele CA6264669.
Genomic context (GRCh38, chr11:108,244,817, plus strand): 5'-TACCCAGTTGAGCTTGTTTGTTTCTTCACAGACAAGAAAAGAGCTCTTCAGGTCTAAATC[A>C]TATCTTAGCAGCTCTTACTATCTTCCTCAAGACTTTGGCTGTCAACTTTCGAATTCGAGT-3'
Protein context (NP_000042.3, residues 221-241): RQEKSSSGLN[His231Pro]ILAALTIFLK